The following is an entry in ClinVar:

NM_004385.5(VCAN):c.1043-2A>G

Gene: VCAN (versican; plus strand). Cytogenetic location: 5q14.3.
Variant type: single nucleotide variant.
Coding change: c.1043-2A>G on transcript NM_004385.5 (MANE Select); the canonical splice acceptor site of the intron before coding-DNA position 1043, A replaced by G.
Molecular consequence: splice acceptor variant. On other transcripts: intron variant (2).
Genome position (GRCh38, 1-based): chr5:83,519,347, A>G. VCF-style: chr5-83519347-A-G. GRCh37 (hg19) VCF-style: chr5-82815166-A-G.
Other names: c.1043-2A>G (NM_001164098.2); c.1042+6951A>G (NM_001164097.2, NM_001126336.3).
Identifiers: ClinVar variation 4529615 (VCV004529615.1).

ClinVar aggregate classification (germline): Uncertain significance (1 of 4 stars; one submission).

gnomAD v4.1: 1 of 1,613,528 alleles (0.000062%); highest among the groups gnomAD compares: African/African-American, 0.0013%; no homozygotes.

Submission:

GeneDx
Classification: Uncertain significance. Last evaluated: 2025-05-14. Review status: criteria provided, single submitter. Criteria: GeneDx Variant Classification Process June 2021. Collection method: clinical testing. Allele origin: germline. Affected: yes.
Comment: Not observed at significant frequency in large population cohorts (gnomAD); Canonical splice site variant with an unclear effect on protein function; Has not been previously published as pathogenic or benign to our knowledge